The following is an entry in ClinVar:

NM_014363.6(SACS):c.510C>T (p.His170=)

Gene: SACS (sacsin molecular chaperone; minus strand). Cytogenetic location: 13q12.12.
Variant type: single nucleotide variant.
Coding change: c.510C>T on transcript NM_014363.6 (MANE Select); coding-DNA position 510, C replaced by T.
Protein change: p.His170=; no amino-acid change (histidine 170 retained).
Molecular consequence: synonymous variant.
Genome position (GRCh38, 1-based): chr13:23,358,429, G>A on the plus strand (C>T on the coding strand, the complement: SACS is on the minus strand). VCF-style: chr13-23358429-G-A. GRCh37 (hg19) VCF-style: chr13-23932568-G-A.
Other names: c.69C>T, p.His23= (NM_001278055.2); c.510C>T (NM_014363.5).
Identifiers: ClinVar variation 1119079 (VCV001119079.33), dbSNP rs575556786, ClinGen allele CA6912062.
Genomic context (GRCh38, chr13:23,358,429, plus strand): 5'-AAATCTTCCGACCTTCAGAGGATCATCCTTTTTCCTGCTTCTTGCTATTTCTTGAATGCC[G>A]TGCCAGTCCTCTGGGGTGAAAACCGCGTTGTTGTACACATAGAGAGCTGGCCCTAGGTGT-3'
Protein context (NP_055178.3, residues 160-180): NNAVFTPEDW[His170=]GIQEIARSRK

ClinVar aggregate classification (germline): Likely benign. Review status: criteria provided, multiple submitters, no conflicts (2 of 4 stars). 3 submissions from 3 submitters: Likely benign (2). 1 of the submissions does not count toward it. Last evaluated 2023-10-04.

Conditions:
SACS-related disorder. Also called: SACS-related condition.
Spastic paraplegia. Identifiers: MedGen C0037772, HP:0001258.

Allele frequency attached by ClinVar (database versions not stated): gnomAD 0.00001; gnomAD exomes 0.00001 and 0.00002; TOPMed 0.00002; ExAC 0.00003; 1000 Genomes Project 30x 0.00016; 1000 Genomes Project 0.00020.
gnomAD v4.1: 18 of 1,614,020 alleles (0.0011%); highest among the groups gnomAD compares: South Asian, 0.0022%; no homozygotes.

Submissions (3):

Labcorp Genetics (formerly Invitae), Labcorp
Classification: Likely benign for Spastic paraplegia. Last evaluated: 2023-10-04. Review status: criteria provided, single submitter. Criteria: Invitae Variant Classification Sherloc (09022015). Collection method: clinical testing. Allele origin: germline.

CeGaT Center for Human Genetics Tuebingen
Classification: Likely benign. Last evaluated: 2022-09-01. Review status: criteria provided, single submitter. Criteria: CeGaT Center For Human Genetics Tuebingen Variant Classification Criteria Version 2. Collection method: clinical testing. Allele origin: germline. Affected: yes. Observed: 1 variant allele.
Comment: SACS: BP4, BP7

PreventionGenetics, part of Exact Sciences
Classification: Likely benign for SACS-related condition. Last evaluated: 2022-11-18. Review status: no assertion criteria provided. Collection method: clinical testing. Allele origin: germline. Not counted in ClinVar's aggregate classification.
Comment: This variant is classified as likely benign based on ACMG/AMP sequence variant interpretation guidelines (Richards et al. 2015 PMID: 25741868, with internal and published modifications).